The following is an entry in ClinVar:

ClinVar aggregate classification (germline): Uncertain significance (0 of 4 stars; one submission).

Conditions:
DLGAP1-related disorder. Also called: DLGAP1-related condition.

Submission:

PreventionGenetics, part of Exact Sciences
Classification: Uncertain significance for DLGAP1-related condition. Last evaluated: 2024-05-22. Review status: no assertion criteria provided. Collection method: clinical testing. Allele origin: germline.
Comment: The DLGAP1 c.806T>A variant is predicted to result in the amino acid substitution p.Leu269Gln. To our knowledge, this variant has not been reported in the literature or in a large population database, indicating this variant is rare. At this time, the clinical significance of this variant is uncertain due to the absence of conclusive functional and genetic evidence.

NM_004746.4(DLGAP1):c.806T>A (p.Leu269Gln)

Genes: DLGAP1 (DLG associated protein 1; minus strand), DLGAP1-AS3 (DLGAP1 antisense RNA 3; plus strand). Cytogenetic location: 18p11.31.
Variant type: single nucleotide variant.
Coding change: c.806T>A on transcript NM_004746.4 (MANE Select); coding-DNA position 806, T replaced by A.
Protein change: p.Leu269Gln; replaces leucine 269 with glutamine.
Molecular consequence: missense variant.
Genome position (GRCh38, 1-based): chr18:3,879,263, A>T on the plus strand (T>A on the coding strand, the complement: DLGAP1 is on the minus strand). VCF-style: chr18-3879263-A-T. GRCh37 (hg19) VCF-style: chr18-3879263-A-T.
Other names: c.806T>A, p.Leu269Gln (NM_001242761.2, NM_001398525.1, NM_001398526.1 and 2 more transcripts); short protein forms L269Q.
Identifiers: ClinVar variation 3346702 (VCV003346702.1).